The following is an entry in ClinVar:

ClinVar aggregate classification (germline): Benign/Likely benign. Review status: criteria provided, multiple submitters, no conflicts (2 of 4 stars). 10 submissions from 10 submitters: Benign (7); Likely benign (2). 1 of the submissions does not count toward it. Last evaluated 2026-07-01.

Conditions:
Inborn genetic diseases. Identifiers: MedGen C0950123, MeSH D030342.
SAMD9L-related disorder. Also called: SAMD9L-related disorders; SAMD9L-related condition.

Allele frequency attached by ClinVar (database versions not stated): 1000 Genomes Project 0.00419; 1000 Genomes Project 30x 0.00437; gnomAD 0.00472 and 0.00478; ExAC 0.00474; gnomAD exomes 0.00478; TOPMed 0.00488; ESP Exome Variant Server 0.00592.

Submissions (10):

CeGaT Center for Human Genetics Tuebingen
Classification: Benign. Last evaluated: 2026-07-01. Review status: criteria provided, single submitter. Criteria: CeGaT Center For Human Genetics Tuebingen Variant Classification Criteria Version 2. Collection method: clinical testing. Allele origin: germline. Affected: yes. Observed: 14 variant alleles.
Comment: SAMD9L: BP4, BP7, BS1, BS2

Labcorp Genetics (formerly Invitae), Labcorp
Classification: Benign. Last evaluated: 2026-02-01. Review status: criteria provided, single submitter. Criteria: Invitae Variant Classification Sherloc (09022015). Collection method: clinical testing. Allele origin: germline.

ARUP Laboratories, Molecular Genetics and Genomics, ARUP Laboratories
Classification: Benign. Last evaluated: 2025-07-03. Review status: criteria provided, single submitter. Criteria: ARUP Molecular Germline Variant Investigation Process 2024. Collection method: clinical testing. Allele origin: germline.

Mayo Clinic Laboratories, Mayo Clinic
Classification: Benign. Last evaluated: 2024-12-02. Review status: criteria provided, single submitter. Criteria: ACMG Guidelines, 2015. Collection method: clinical testing. Allele origin: germline. Observed: 10 variant alleles.
Comment: BS1, BS2, BP4, BP7

Blueprint Genetics
Classification: Likely benign. Last evaluated: 2024-11-25. Review status: criteria provided, single submitter. Criteria: ACMG Guidelines, 2015. Collection method: clinical testing. Allele origin: germline.

Ambry Genetics
Classification: Likely benign for Inborn genetic diseases. Last evaluated: 2024-10-02. Review status: criteria provided, single submitter. Criteria: Ambry Variant Classification Scheme 2023. Collection method: clinical testing. Allele origin: germline.

GeneDx
Classification: Benign. Last evaluated: 2020-11-30. Review status: criteria provided, single submitter. Criteria: GeneDx Variant Classification Process June 2021. Collection method: clinical testing. Allele origin: germline. Affected: yes.

Genetic Services Laboratory, University of Chicago
Classification: Benign. Last evaluated: 2020-07-28. Review status: criteria provided, single submitter. Criteria: ACMG Guidelines, 2015. Collection method: clinical testing. Allele origin: germline. Affected: no.

Breakthrough Genomics
Classification: Benign. Review status: criteria provided, single submitter. Criteria: ACMG Guidelines, 2015. Collection method: not provided. Allele origin: germline. Inheritance: Autosomal dominant inheritance. Affected: yes.

PreventionGenetics, part of Exact Sciences
Classification: Benign for SAMD9L-related condition. Last evaluated: 2021-05-12. Review status: no assertion criteria provided. Collection method: clinical testing. Allele origin: germline. Not counted in ClinVar's aggregate classification.
Comment: This variant is classified as benign based on ACMG/AMP sequence variant interpretation guidelines (Richards et al. 2015 PMID: 25741868, with internal and published modifications).

NM_152703.5(SAMD9L):c.1908C>T (p.Pro636=)

Gene: SAMD9L (sterile alpha motif domain containing 9 like; minus strand). Cytogenetic location: 7q21.2.
Variant type: single nucleotide variant.
Coding change: c.1908C>T on transcript NM_152703.5 (MANE Select); coding-DNA position 1908, C replaced by T.
Protein change: p.Pro636=; no amino-acid change (proline 636 retained).
Molecular consequence: synonymous variant.
Genome position (GRCh38, 1-based): chr7:93,134,064, G>A on the plus strand (C>T on the coding strand, the complement: SAMD9L is on the minus strand). VCF-style: chr7-93134064-G-A. GRCh37 (hg19) VCF-style: chr7-92763377-G-A.
Other names: p.Pro636=; c.1908C>T, p.Pro636= (NM_001303496.3, NM_001303497.3, NM_001303498.3 and 5 more transcripts); c.1908C>T (NM_152703.2).
Identifiers: ClinVar variation 776239 (VCV000776239.46), dbSNP rs142642466, ClinGen allele CA4343663.